The following is an entry in ClinVar:

NM_001024630.4(RUNX2):c.423+2del

Gene: RUNX2 (RUNX family transcription factor 2; plus strand). Cytogenetic location: 6p21.1.
Variant type: Deletion.
Coding change: c.423+2del on transcript NM_001024630.4 (MANE Select); the canonical splice donor site of the intron after coding-DNA position 423, one base deleted (T; older notation c.423+2delT).
Molecular consequence: splice donor variant.
Genome position (GRCh38, 1-based): chr6:45,422,959, T deleted. VCF-style (leftmost placement, unchanged base first): chr6-45422958-GT-G. GRCh37 (hg19) VCF-style: chr6-45390695-GT-G.
Other names: c.423+2delT (NM_001024630.4); c.423+2del (NM_001015051.4); c.381+2del (NM_001369405.1, NM_001278478.2).
Identifiers: ClinVar variation 978697 (VCV000978697.3), dbSNP rs1798262516, ClinGen allele CA1625431867.

ClinVar aggregate classification (germline): Likely pathogenic (0 of 4 stars; one submission).

Conditions:
Cleidocranial dysostosis (CLCD1). Also called: Marie-Sainton disease; cleidocranial dysplasia 1; Cleidocranial Dysplasia Spectrum Disorder. Identifiers: Orphanet 1452, MedGen C0008928, MONDO:0007340, OMIM 119600.

Submission:

Istanbul Faculty of Medicine, Istanbul University
Classification: Likely pathogenic for Cleidocranial dysplasia. Last evaluated: 2020-08-28. Review status: no assertion criteria provided. Collection method: clinical testing. Allele origin: unknown, germline. Affected: yes. Observed: 3 variant alleles.
Comment: Identified in three affecteds in a family

Literature cited by the submitters: PubMed 33987976.